The following is an entry in ClinVar:

ClinVar aggregate classification (germline): Uncertain significance (1 of 4 stars; one submission).

Conditions:
Bloom syndrome (BLM). Also called: Bloom-Torre-Machacek syndrome. Identifiers: Orphanet 125, MedGen C0005859, MONDO:0008876, OMIM 210900.

Submission:

Labcorp Genetics (formerly Invitae), Labcorp
Classification: Uncertain significance for Bloom syndrome. Last evaluated: 2022-02-04. Review status: criteria provided, single submitter. Criteria: Invitae Variant Classification Sherloc (09022015). Collection method: clinical testing. Allele origin: germline.
Comment: This sequence change replaces leucine, which is neutral and non-polar, with methionine, which is neutral and non-polar, at codon 639 of the BLM protein (p.Leu639Met). This variant is not present in population databases (gnomAD no frequency). This variant has not been reported in the literature in individuals affected with BLM-related conditions. Algorithms developed to predict the effect of missense changes on protein structure and function are either unavailable or do not agree on the potential impact of this missense change (SIFT: "Tolerated"; PolyPhen-2: "Possibly Damaging"; Align-GVGD: "Class C0"). In summary, the available evidence is currently insufficient to determine the role of this variant in disease. Therefore, it has been classified as a Variant of Uncertain Significance.

NM_000057.4(BLM):c.1915C>A (p.Leu639Met)

Gene: BLM (BLM RecQ like helicase; plus strand). Cytogenetic location: 15q26.1.
Variant type: single nucleotide variant.
Coding change: c.1915C>A on transcript NM_000057.4 (MANE Select); coding-DNA position 1915, C replaced by A.
Protein change: p.Leu639Met; replaces leucine 639 with methionine.
Molecular consequence: missense variant.
Genome position (GRCh38, 1-based): chr15:90,762,998, C>A. VCF-style: chr15-90762998-C-A. GRCh37 (hg19) VCF-style: chr15-91306228-C-A.
Other names: c.1915C>A, p.Leu639Met (NM_001287246.2, NM_001287247.2); c.790C>A, p.Leu264Met (NM_001287248.2); short protein forms L264M, L639M.
Identifiers: ClinVar variation 1972099 (VCV001972099.2), dbSNP rs2151160531, ClinGen allele CA393844131.